The following is an entry in ClinVar:

ClinVar aggregate classification (germline): Uncertain significance. Review status: criteria provided, multiple submitters, no conflicts (2 of 4 stars). 2 submissions from 2 submitters: Uncertain significance (2). Last evaluated 2025-09-10.

Conditions:
Inborn genetic diseases. Identifiers: MedGen C0950123, MeSH D030342.

Allele frequency attached by ClinVar (database versions not stated): gnomAD exomes below 0.00001; gnomAD 0.00001; TOPMed 0.00003.
gnomAD v4.1: 3 of 1,610,238 alleles (0.00019%); highest among the groups gnomAD compares: African/African-American, 0.0027%; no homozygotes.

Submissions (2):

Ambry Genetics
Classification: Uncertain significance for Inborn genetic diseases. Last evaluated: 2025-09-10. Review status: criteria provided, single submitter. Criteria: Ambry Variant Classification Scheme 2023. Collection method: clinical testing. Allele origin: germline.

Labcorp Genetics (formerly Invitae), Labcorp
Classification: Uncertain significance. Last evaluated: 2022-07-22. Review status: criteria provided, single submitter. Criteria: Invitae Variant Classification Sherloc (09022015). Collection method: clinical testing. Allele origin: germline.
Comment: In summary, the available evidence is currently insufficient to determine the role of this variant in disease. Therefore, it has been classified as a Variant of Uncertain Significance. Algorithms developed to predict the effect of missense changes on protein structure and function are either unavailable or do not agree on the potential impact of this missense change (SIFT: "Deleterious"; PolyPhen-2: "Probably Damaging"; Align-GVGD: "Class C0"). This variant has not been reported in the literature in individuals affected with MPDZ-related conditions. This variant is present in population databases (no rsID available, gnomAD 0.01%). This sequence change replaces isoleucine, which is neutral and non-polar, with valine, which is neutral and non-polar, at codon 1985 of the MPDZ protein (p.Ile1985Val).

NM_001378778.1(MPDZ):c.6040A>G (p.Ile2014Val)

Gene: MPDZ (multiple PDZ domain crumbs cell polarity complex component; minus strand). Cytogenetic location: 9p23.
Variant type: single nucleotide variant.
Coding change: c.6040A>G on transcript NM_001378778.1 (MANE Select); coding-DNA position 6040, A replaced by G.
Protein change: p.Ile2014Val; replaces isoleucine 2014 with valine.
Molecular consequence: missense variant.
Genome position (GRCh38, 1-based): chr9:13,108,962, T>C on the plus strand (A>G on the coding strand, the complement: MPDZ is on the minus strand). VCF-style: chr9-13108962-T-C. GRCh37 (hg19) VCF-style: chr9-13108961-T-C.
Other names: c.5953A>G (NM_003829.3); c.5941A>G, p.Ile1981Val (NM_001261406.2, NM_001375416.1, NM_001375417.1 and 1 more transcripts); c.5854A>G, p.Ile1952Val (NM_001261407.2, NM_001375419.1); c.6040A>G, p.Ile2014Val (NM_001330637.2); c.6139A>G, p.Ile2047Val (NM_001375413.1); c.5830A>G, p.Ile1944Val (NM_001375420.1, NM_001375421.1, NM_001375422.1 and 2 more transcripts); c.5743A>G, p.Ile1915Val (NM_001375425.1, NM_001375426.1); c.5632A>G, p.Ile1878Val (NM_001375427.1); and 1 more; short protein forms I1952V, I1915V, I1944V, I2014V, I2047V, I1878V, I1981V, I1985V.
Identifiers: ClinVar variation 1955981 (VCV001955981.6), dbSNP rs1332806177, ClinGen allele CA372938899.